The following is an entry in ClinVar:

NM_001673.5(ASNS):c.-23-44T>C

Genes: ASNS (asparagine synthetase (glutamine-hydrolyzing); minus strand), CZ1P-ASNS (CZ1P-ASNS readthrough; minus strand). Cytogenetic location: 7q21.3.
Variant type: single nucleotide variant.
Coding change: c.-23-44T>C on transcript NM_001673.5 (MANE Select); 44 bases into the intron before 23 bases upstream of the start codon, T replaced by C.
Molecular consequence: intron variant.
Genome position (GRCh38, 1-based): chr7:97,869,223, A>G on the plus strand (T>C on the coding strand, the complement: ASNS is on the minus strand). VCF-style: chr7-97869223-A-G. GRCh37 (hg19) VCF-style: chr7-97498535-A-G.
Other names: c.-23-44T>C (NM_001352496.2, NM_183356.4, NM_133436.3); c.-1+3128T>C (NM_001178076.2); c.-12-118T>C (NM_001178075.2); c.-1+2818T>C (NM_001178077.1).
Identifiers: ClinVar variation 1264153 (VCV001264153.5), dbSNP rs6465630, ClinGen allele CA12674395.

ClinVar aggregate classification (germline): Benign. Review status: criteria provided, multiple submitters, no conflicts (2 of 4 stars). 3 submissions from 3 submitters: Benign (3). Last evaluated 2024-07-15.

Allele frequency attached by ClinVar (database versions not stated): gnomAD exomes 0.31507; gnomAD 0.38373 and 0.38670; TOPMed 0.40068; 1000 Genomes Project 0.42452; 1000 Genomes Project 30x 0.42833.
gnomAD v4.1: 507,286 of 1,574,832 alleles (32%); highest among the groups gnomAD compares: African/African-American, 54%; 84,944 homozygotes.

Submissions (3):

Unidad de Genómica Garrahan, Hospital de Pediatría Garrahan
Classification: Benign. Last evaluated: 2024-07-15. Review status: criteria provided, single submitter. Criteria: ACMG Guidelines, 2015. Collection method: clinical testing. Allele origin: germline. Affected: no. Observed: 58 variant alleles.
Comment: This variant is classified as Benign based on local population frequency. This variant was detected in 62% of patients studied in a panel designed for Epileptic and Developmental Encephalopathy and Progressive Myoclonus Epilepsy. Number of patients: 58. Only high quality variants are reported.

GeneDx
Classification: Benign. Last evaluated: 2019-08-18. Review status: criteria provided, single submitter. Criteria: GeneDx Variant Classification Process June 2021. Collection method: clinical testing. Allele origin: germline. Affected: yes.

Breakthrough Genomics
Classification: Benign. Review status: criteria provided, single submitter. Criteria: ACMG Guidelines, 2015. Collection method: not provided. Allele origin: germline. Inheritance: Autosomal recessive inheritance. Affected: yes.